The following is an entry in ClinVar:

NM_001903.5(CTNNA1):c.44C>G (p.Pro15Arg)

Gene: CTNNA1 (catenin alpha 1; plus strand). Cytogenetic location: 5q31.2.
Variant type: single nucleotide variant.
Coding change: c.44C>G on transcript NM_001903.5 (MANE Select); coding-DNA position 44, C replaced by G.
Protein change: p.Pro15Arg; replaces proline 15 with arginine.
Molecular consequence: missense variant. On other transcripts: 5 prime UTR variant (2).
Genome position (GRCh38, 1-based): chr5:138,781,968, C>G. VCF-style: chr5-138781968-C-G. GRCh37 (hg19) VCF-style: chr5-138117657-C-G.
Other names: c.44C>G, p.Pro15Arg (NM_001290307.3, NM_001323982.2, NM_001323983.1 and 3 more transcripts); c.-70C>G (NM_001290309.3); c.-163C>G (NM_001290310.3); c.44C>G (NM_001903.2); short protein forms P15R.
Identifiers: ClinVar variation 854830 (VCV000854830.10), dbSNP rs988942117, ClinGen allele CA128716441.
Genomic context (GRCh38, chr5:138,781,968, plus strand): 5'-TTGTTTCTTATTTAGAAATGACTGCTGTCCATGCAGGCAACATAAACTTCAAGTGGGATC[C>G]TAAAAGTCTAGAGATCAGGACTCTGGCAGTTGAGAGACTGTTGGAGCCTCTTGTTACACA-3'
Protein context (NP_001894.2, residues 5-25): HAGNINFKWD[Pro15Arg]KSLEIRTLAV

ClinVar aggregate classification (germline): Uncertain significance. Review status: criteria provided, multiple submitters, no conflicts (2 of 4 stars). 2 submissions from 2 submitters: Uncertain significance (2). Last evaluated 2026-01-02.

Conditions:
Hereditary cancer-predisposing syndrome. Also called: Neoplastic Syndromes, Hereditary; Hereditary Cancer Syndrome; Tumor predisposition; Hereditary neoplastic syndrome. Identifiers: Orphanet 140162, MedGen C0027672, MeSH D009386, MONDO:0015356.

Allele frequency attached by ClinVar (database versions not stated): gnomAD exomes below 0.00001; gnomAD 0.00001; TOPMed 0.00001.
gnomAD v4.1: 3 of 1,601,538 alleles (0.00019%); highest among the groups gnomAD compares: African/African-American, 0.0027%; no homozygotes.

Submissions (2):

Labcorp Genetics (formerly Invitae), Labcorp
Classification: Uncertain significance. Last evaluated: 2026-01-02. Review status: criteria provided, single submitter. Criteria: Invitae Variant Classification Sherloc (09022015). Collection method: clinical testing. Allele origin: germline.
Comment: This sequence change replaces proline, which is neutral and non-polar, with arginine, which is basic and polar, at codon 15 of the CTNNA1 protein (p.Pro15Arg). This variant is not present in population databases (gnomAD no frequency). This variant has not been reported in the literature in individuals affected with CTNNA1-related conditions. ClinVar contains an entry for this variant (Variation ID: 854830). Invitae Evidence Modeling of protein sequence and biophysical properties (such as structural, functional, and spatial information, amino acid conservation, physicochemical variation, residue mobility, and thermodynamic stability) indicates that this missense variant is not expected to disrupt CTNNA1 protein function with a negative predictive value of 80%. In summary, the available evidence is currently insufficient to determine the role of this variant in disease. Therefore, it has been classified as a Variant of Uncertain Significance.

Ambry Genetics
Classification: Uncertain significance for Hereditary cancer-predisposing syndrome. Last evaluated: 2024-10-28. Review status: criteria provided, single submitter. Criteria: Ambry Variant Classification Scheme 2023. Collection method: clinical testing. Allele origin: germline.
Comment: The p.P15R variant (also known as c.44C>G), located in coding exon 1 of the CTNNA1 gene, results from a C to G substitution at nucleotide position 44. The proline at codon 15 is replaced by arginine, an amino acid with dissimilar properties. This amino acid position is highly conserved in available vertebrate species. In addition, this alteration is predicted to be deleterious by in silico analysis. The evidence for this gene-disease relationship is limited; therefore, the clinical significance of this alteration is unclear.